The following is an entry in ClinVar:

NM_001040142.2(SCN2A):c.3521-3T>G

Gene: SCN2A (sodium voltage-gated channel alpha subunit 2; plus strand). Cytogenetic location: 2q24.3.
Variant type: single nucleotide variant.
Coding change: c.3521-3T>G on transcript NM_001040142.2 (MANE Select); 3 bases into the intron before coding-DNA position 3521, T replaced by G.
Molecular consequence: intron variant.
Genome position (GRCh38, 1-based): chr2:165,367,214, T>G. VCF-style: chr2-165367214-T-G. GRCh37 (hg19) VCF-style: chr2-166223724-T-G.
Other names: c.3521-3T>G (NM_001040143.2, NM_001371246.1, NM_001371247.1 and 1 more transcripts).
Identifiers: ClinVar variation 1810014 (VCV001810014.1), dbSNP rs2468069886, ClinGen allele CA2580064226.

ClinVar aggregate classification (germline): Uncertain significance (1 of 4 stars; one submission).

Submission:

GeneDx
Classification: Uncertain significance. Last evaluated: 2022-07-01. Review status: criteria provided, single submitter. Criteria: GeneDx Variant Classification Process June 2021. Collection method: clinical testing. Allele origin: germline. Affected: yes.
Comment: In-silico analysis is inconclusive as to whether the variant alters gene splicing. In the absence of RNA/functional studies, the actual effect of this sequence change is unknown.; Not observed at significant frequency in large population cohorts (gnomAD); Has not been previously published as pathogenic or benign to our knowledge